The following is an entry in ClinVar:

ClinVar aggregate classification (germline): Uncertain significance (1 of 4 stars; one submission).

Conditions:
Pitt-Hopkins-like syndrome 2 (PTHSL2). Identifiers: Orphanet 221150, Orphanet 600663, MedGen C3280479, MONDO:0013690, OMIM 614325.

Submission:

Labcorp Genetics (formerly Invitae), Labcorp
Classification: Uncertain significance for Pitt-Hopkins-like syndrome 2. Last evaluated: 2022-06-05. Review status: criteria provided, single submitter. Criteria: Invitae Variant Classification Sherloc (09022015). Collection method: clinical testing. Allele origin: germline.
Comment: This variant is not present in population databases (gnomAD no frequency). In summary, the available evidence is currently insufficient to determine the role of this variant in disease. Therefore, it has been classified as a Variant of Uncertain Significance. Algorithms developed to predict the effect of missense changes on protein structure and function are either unavailable or do not agree on the potential impact of this missense change (SIFT: "Deleterious"; PolyPhen-2: "Benign"; Align-GVGD: "Class C0"). This variant has not been reported in the literature in individuals affected with NRXN1-related conditions. This sequence change replaces glutamic acid, which is acidic and polar, with alanine, which is neutral and non-polar, at codon 51 of the NRXN1 protein (p.Glu51Ala).

NM_001330078.2(NRXN1):c.152A>C (p.Glu51Ala)

Gene: NRXN1 (neurexin 1; minus strand). Cytogenetic location: 2p16.3.
Variant type: single nucleotide variant.
Coding change: c.152A>C on transcript NM_001330078.2 (MANE Select); coding-DNA position 152, A replaced by C.
Protein change: p.Glu51Ala; replaces glutamic acid 51 with alanine.
Molecular consequence: missense variant.
Genome position (GRCh38, 1-based): chr2:51,028,122, T>G on the plus strand (A>C on the coding strand, the complement: NRXN1 is on the minus strand). VCF-style: chr2-51028122-T-G. GRCh37 (hg19) VCF-style: chr2-51255260-T-G.
Other names: c.152A>C, p.Glu51Ala (NM_001135659.3, NM_001330077.2, NM_001330079.2 and 15 more transcripts); short protein forms E51A.
Identifiers: ClinVar variation 2002780 (VCV002002780.4), dbSNP rs2468084077, ClinGen allele CA346824592.